The following is an entry in ClinVar:

ClinVar aggregate classification (germline): Benign. Review status: criteria provided, multiple submitters, no conflicts (2 of 4 stars). 3 submissions from 3 submitters: Benign (3). Last evaluated 2024-01-24.

Allele frequency attached by ClinVar (database versions not stated): gnomAD exomes 0.12831; gnomAD 0.13938 and 0.13971; TOPMed 0.14784; 1000 Genomes Project 0.17732; 1000 Genomes Project 30x 0.17817.
gnomAD v4.1: 109,371 of 838,794 alleles (13%); highest among the groups gnomAD compares: East Asian, 36%; 9,326 homozygotes.

Submissions (3):

Unidad de Genómica Garrahan, Hospital de Pediatría Garrahan
Classification: Benign. Last evaluated: 2024-01-24. Review status: criteria provided, single submitter. Criteria: ACMG Guidelines, 2015. Collection method: clinical testing. Allele origin: germline. Affected: no. Observed: 38 variant alleles.
Comment: This variant is classified as Benign based on local population frequency. This variant was detected in 43% of patients studied by a panel of primary immunodeficiencies. Number of patients: 38. Only high quality variants are reported.

GeneDx
Classification: Benign. Last evaluated: 2021-01-12. Review status: criteria provided, single submitter. Criteria: GeneDx Variant Classification Process June 2021. Collection method: clinical testing. Allele origin: germline. Affected: yes.

Breakthrough Genomics
Classification: Benign. Review status: criteria provided, single submitter. Criteria: ACMG Guidelines, 2015. Collection method: not provided. Allele origin: germline. Inheritance: Autosomal recessive inheritance. Affected: yes.

NM_024570.4(RNASEH2B):c.321+113T>G

Gene: RNASEH2B (ribonuclease H2 subunit B; plus strand). Cytogenetic location: 13q14.3.
Variant type: single nucleotide variant.
Coding change: c.321+113T>G on transcript NM_024570.4 (MANE Select); 113 bases into the intron after coding-DNA position 321, T replaced by G.
Molecular consequence: intron variant.
Genome position (GRCh38, 1-based): chr13:50,930,872, T>G. VCF-style: chr13-50930872-T-G. GRCh37 (hg19) VCF-style: chr13-51505008-T-G.
Other names: c.321+113T>G (NM_001142279.2).
Identifiers: ClinVar variation 1228108 (VCV001228108.6), dbSNP rs1555625, ClinGen allele CA15780342.